The following is an entry in ClinVar:

NM_015978.3(TNNI3K):c.440T>A (p.Leu147Gln)

Genes: FPGT-TNNI3K (FPGT-TNNI3K readthrough; plus strand), TNNI3K (TNNI3 interacting kinase; plus strand). Cytogenetic location: 1p31.1.
Variant type: single nucleotide variant.
Coding change: c.440T>A on transcript NM_015978.3 (MANE Select); coding-DNA position 440, T replaced by A.
Protein change: p.Leu147Gln; replaces leucine 147 with glutamine.
Molecular consequence: missense variant.
Genome position (GRCh38, 1-based): chr1:74,271,704, T>A. VCF-style: chr1-74271704-T-A. GRCh37 (hg19) VCF-style: chr1-74737388-T-A.
Other names: c.743T>A, p.Leu248Gln (NM_001112808.3, NM_001199327.2); short protein forms L248Q, L147Q.
Identifiers: ClinVar variation 1423873 (VCV001423873.6), dbSNP rs200488323, ClinGen allele CA24501356.

ClinVar aggregate classification (germline): Uncertain significance (1 of 4 stars; one submission).

Allele frequency attached by ClinVar (database versions not stated): gnomAD 0.00001; TOPMed 0.00002.
gnomAD v4.1: 1 of 1,605,666 alleles (0.000062%); highest among the groups gnomAD compares: African/African-American, 0.0013%; no homozygotes.

Submission:

Labcorp Genetics (formerly Invitae), Labcorp
Classification: Uncertain significance. Last evaluated: 2024-10-09. Review status: criteria provided, single submitter. Criteria: Invitae Variant Classification Sherloc (09022015). Collection method: clinical testing. Allele origin: germline.
Comment: This sequence change replaces leucine, which is neutral and non-polar, with glutamine, which is neutral and polar, at codon 147 of the TNNI3K protein (p.Leu147Gln). This variant is not present in population databases (gnomAD no frequency). This variant has not been reported in the literature in individuals affected with TNNI3K-related conditions. ClinVar contains an entry for this variant (Variation ID: 1423873). Invitae Evidence Modeling of protein sequence and biophysical properties (such as structural, functional, and spatial information, amino acid conservation, physicochemical variation, residue mobility, and thermodynamic stability) indicates that this missense variant is not expected to disrupt TNNI3K protein function with a negative predictive value of 80%. In summary, the available evidence is currently insufficient to determine the role of this variant in disease. Therefore, it has been classified as a Variant of Uncertain Significance.